The following is an entry in ClinVar:

ClinVar aggregate classification (germline): Uncertain significance (1 of 4 stars; one submission).

Conditions:
Familial sleep-related hypermotor epilepsy. Also called: Autosomal Dominant Sleep-Related Hypermotor (Hyperkinetic) Epilepsy. Identifiers: Orphanet 98784, MedGen C3696898, MONDO:0000030.

Submission:

Labcorp Genetics (formerly Invitae), Labcorp
Classification: Uncertain significance. Last evaluated: 2024-04-20. Review status: criteria provided, single submitter. Criteria: Invitae Variant Classification Sherloc (09022015). Collection method: clinical testing. Allele origin: germline.
Comment: This sequence change replaces asparagine, which is neutral and polar, with aspartic acid, which is acidic and polar, at codon 485 of the CHRNB2 protein (p.Asn485Asp). This variant is not present in population databases (gnomAD no frequency). This variant has not been reported in the literature in individuals affected with CHRNB2-related conditions. Advanced modeling of protein sequence and biophysical properties (such as structural, functional, and spatial information, amino acid conservation, physicochemical variation, residue mobility, and thermodynamic stability) performed at Invitae indicates that this missense variant is not expected to disrupt CHRNB2 protein function with a negative predictive value of 95%. In summary, the available evidence is currently insufficient to determine the role of this variant in disease. Therefore, it has been classified as a Variant of Uncertain Significance.

NM_000748.3(CHRNB2):c.1453A>G (p.Asn485Asp)

Gene: CHRNB2 (cholinergic receptor nicotinic beta 2 subunit; plus strand). Cytogenetic location: 1q21.3.
Variant type: single nucleotide variant.
Coding change: c.1453A>G on transcript NM_000748.3 (MANE Select); coding-DNA position 1453, A replaced by G.
Protein change: p.Asn485Asp; replaces asparagine 485 with aspartic acid.
Molecular consequence: missense variant.
Genome position (GRCh38, 1-based): chr1:154,575,876, A>G. VCF-style: chr1-154575876-A-G. GRCh37 (hg19) VCF-style: chr1-154548352-A-G.
Other names: short protein forms N485D.
Identifiers: ClinVar variation 3633612 (VCV003633612.2).
Genomic context (GRCh38, chr1:154,575,876, plus strand): 5'-ATCTTTGTCTTTGTCTGTGTCTTTGGCACCATCGGCATGTTCCTGCAGCCTCTCTTCCAG[A>G]ACTACACCACCACCACCTTCCTCCACTCAGACCACTCAGCCCCCAGCTCCAAGTGAGGCC-3'
Protein context (NP_000739.1, residues 475-495): IGMFLQPLFQ[Asn485Asp]YTTTTFLHSD